The following is an entry in ClinVar:

NM_017775.4(TTC19):c.676+106A>G

Gene: TTC19 (tetratricopeptide repeat domain 19; plus strand). Cytogenetic location: 17p12.
Variant type: single nucleotide variant.
Coding change: c.676+106A>G on transcript NM_017775.4 (MANE Select); 106 bases into the intron after coding-DNA position 676, A replaced by G.
Molecular consequence: intron variant.
Genome position (GRCh38, 1-based): chr17:16,006,674, A>G. VCF-style: chr17-16006674-A-G. GRCh37 (hg19) VCF-style: chr17-15909988-A-G.
Other names: c.355+106A>G (NM_001271420.2).
Identifiers: ClinVar variation 676778 (VCV000676778.2), dbSNP rs8078888, ClinGen allele CA288189103.

ClinVar aggregate classification (germline): Benign. Review status: criteria provided, multiple submitters, no conflicts (2 of 4 stars). 2 submissions from 2 submitters: Benign (2). Last evaluated 2018-06-16.

Allele frequency attached by ClinVar (database versions not stated): gnomAD exomes 0.03783; gnomAD 0.08392 and 0.08649; TOPMed 0.09070; 1000 Genomes Project 0.10643; 1000 Genomes Project 30x 0.10853.
gnomAD v4.1: 37,105 of 787,724 alleles (4.7%); highest among the groups gnomAD compares: African/African-American, 21%; 1,860 homozygotes.

Submissions (2):

GeneDx
Classification: Benign. Last evaluated: 2018-06-16. Review status: criteria provided, single submitter. Criteria: GeneDx Variant Classification (06012015). Collection method: clinical testing. Allele origin: germline. Affected: yes.
Comment: This variant is considered likely benign or benign based on one or more of the following criteria: it is a conservative change, it occurs at a poorly conserved position in the protein, it is predicted to be benign by multiple in silico algorithms, and/or has population frequency not consistent with disease.

Breakthrough Genomics
Classification: Benign. Review status: criteria provided, single submitter. Criteria: ACMG Guidelines, 2015. Collection method: not provided. Allele origin: germline. Inheritance: Autosomal recessive inheritance. Affected: yes.